The following is an entry in ClinVar:

ClinVar aggregate classification (germline): Uncertain significance (1 of 4 stars; one submission).

Conditions:
Hypoplastic left heart syndrome. Also called: Hypoplastic left heart; Hypoplastic left ventricle. Identifiers: Orphanet 2248, MedGen C0152101, MONDO:0004933, HP:0004383.

Allele frequency attached by ClinVar (database versions not stated): gnomAD exomes below 0.00001; ExAC 0.00001; gnomAD 0.00001.

Submission:

Labcorp Genetics (formerly Invitae), Labcorp
Classification: Uncertain significance for Hypoplastic left heart syndrome. Last evaluated: 2023-06-02. Review status: criteria provided, single submitter. Criteria: Invitae Variant Classification Sherloc (09022015). Collection method: clinical testing. Allele origin: germline.
Comment: This sequence change affects the initiator methionine of the HAND1 mRNA. The next in-frame methionine is located at codon 22. This variant is present in population databases (rs763806635, gnomAD 0.003%). This variant has not been reported in the literature in individuals affected with HAND1-related conditions. ClinVar contains an entry for this variant (Variation ID: 2139274). In summary, the available evidence is currently insufficient to determine the role of this variant in disease. Therefore, it has been classified as a Variant of Uncertain Significance.

NM_004821.3(HAND1):c.1A>G (p.Met1Val)

Gene: HAND1 (heart and neural crest derivatives expressed 1; minus strand). Cytogenetic location: 5q33.2.
Variant type: single nucleotide variant.
Coding change: c.1A>G on transcript NM_004821.3 (MANE Select); coding-DNA position 1, A replaced by G.
Protein change: p.Met1Val; changes the start codon (methionine 1).
Molecular consequence: missense variant, initiator codon variant.
Genome position (GRCh38, 1-based): chr5:154,478,008, T>C on the plus strand (A>G on the coding strand, the complement: HAND1 is on the minus strand). VCF-style: chr5-154478008-T-C. GRCh37 (hg19) VCF-style: chr5-153857568-T-C.
Other names: short protein forms M1V.
Identifiers: ClinVar variation 2139274 (VCV002139274.5), dbSNP rs763806635, ClinGen allele CA3526663.